The following is an entry in ClinVar:

ClinVar aggregate classification (germline): Uncertain significance (1 of 4 stars; one submission).

Allele frequency attached by ClinVar (database versions not stated): gnomAD 0.00002; ExAC 0.00003; gnomAD exomes 0.00003; TOPMed 0.00004.
gnomAD v4.1: 47 of 1,614,044 alleles (0.0029%); highest among the groups gnomAD compares: South Asian, 0.0066%; no homozygotes.

Submission:

Labcorp Genetics (formerly Invitae), Labcorp
Classification: Uncertain significance. Last evaluated: 2023-05-27. Review status: criteria provided, single submitter. Criteria: Invitae Variant Classification Sherloc (09022015). Collection method: clinical testing. Allele origin: germline.
Comment: An algorithm developed to predict the effect of missense changes on protein structure and function (PolyPhen-2) suggests that this variant is likely to be disruptive. In summary, the available evidence is currently insufficient to determine the role of this variant in disease. Therefore, it has been classified as a Variant of Uncertain Significance. This variant has not been reported in the literature in individuals affected with DISP1-related conditions. This sequence change replaces arginine, which is basic and polar, with cysteine, which is neutral and slightly polar, at codon 718 of the DISP1 protein (p.Arg718Cys). This variant is present in population databases (rs755807282, gnomAD 0.01%).

NM_001377229.1(DISP1):c.2152C>T (p.Arg718Cys)

Gene: DISP1 (dispatched RND transporter family member 1; plus strand). Cytogenetic location: 1q41.
Variant type: single nucleotide variant.
Coding change: c.2152C>T on transcript NM_001377229.1 (MANE Select); coding-DNA position 2152, C replaced by T.
Protein change: p.Arg718Cys; replaces arginine 718 with cysteine.
Molecular consequence: missense variant.
Genome position (GRCh38, 1-based): chr1:223,003,549, C>T. VCF-style: chr1-223003549-C-T. GRCh37 (hg19) VCF-style: chr1-223176891-C-T.
Other names: c.1423C>T, p.Arg475Cys (NM_001350630.2); c.2152C>T, p.Arg718Cys (NM_001369594.1, NM_001377228.1, NM_032890.5); short protein forms R718C, R475C.
Identifiers: ClinVar variation 2727860 (VCV002727860.3), dbSNP rs755807282, ClinGen allele CA1409195.